The following is an entry in ClinVar:

ClinVar aggregate classification (germline): Uncertain significance. Review status: criteria provided, multiple submitters, no conflicts (2 of 4 stars). 2 submissions from 2 submitters: Uncertain significance (2). Last evaluated 2024-10-20.

Conditions:
Mucopolysaccharidosis, MPS-III-D (MPS3D). Also called: N-ACETYLGLUCOSAMINE-6-SULFATASE DEFICIENCY; SANFILIPPO SYNDROME D; MPS III D; Mucopoly-saccharidosis type 3D; N-acetylglucosamine-6-sulfate sulfatase deficiency; MPS 3D. Identifiers: Orphanet 581, Orphanet 79272, MedGen C0086650, MONDO:0009658, OMIM 252940.
Inborn genetic diseases. Identifiers: MedGen C0950123, MeSH D030342.

Allele frequency attached by ClinVar (database versions not stated): 1000 Genomes Project 30x 0.00031; ExAC 0.00002; ESP Exome Variant Server 0.00008; gnomAD exomes 0.00010; gnomAD 0.00002; TOPMed 0.00002; 1000 Genomes Project 0.00020.
gnomAD v4.1: 146 of 1,613,164 alleles (0.0091%); highest among the groups gnomAD compares: Non-Finnish European, 0.012%; no homozygotes.

Submissions (2):

Ambry Genetics
Classification: Uncertain significance for Inborn genetic diseases. Last evaluated: 2024-10-20. Review status: criteria provided, single submitter. Criteria: Ambry Variant Classification Scheme 2023. Collection method: clinical testing. Allele origin: germline.

Labcorp Genetics (formerly Invitae), Labcorp
Classification: Uncertain significance for Mucopolysaccharidosis, MPS-III-D. Last evaluated: 2022-08-12. Review status: criteria provided, single submitter. Criteria: Invitae Variant Classification Sherloc (09022015). Collection method: clinical testing. Allele origin: germline.
Comment: This sequence change replaces arginine, which is basic and polar, with histidine, which is basic and polar, at codon 519 of the GNS protein (p.Arg519His). This variant is present in population databases (rs187312042, gnomAD 0.01%). This variant has not been reported in the literature in individuals affected with GNS-related conditions. Algorithms developed to predict the effect of missense changes on protein structure and function (SIFT, PolyPhen-2, Align-GVGD) all suggest that this variant is likely to be tolerated. In summary, the available evidence is currently insufficient to determine the role of this variant in disease. Therefore, it has been classified as a Variant of Uncertain Significance.

NM_002076.4(GNS):c.1556G>A (p.Arg519His)

Gene: GNS (glucosamine (N-acetyl)-6-sulfatase; minus strand). Cytogenetic location: 12q14.3.
Variant type: single nucleotide variant.
Coding change: c.1556G>A on transcript NM_002076.4 (MANE Select); coding-DNA position 1556, G replaced by A.
Protein change: p.Arg519His; replaces arginine 519 with histidine.
Molecular consequence: missense variant.
Genome position (GRCh38, 1-based): chr12:64,720,046, C>T on the plus strand (G>A on the coding strand, the complement: GNS is on the minus strand). VCF-style: chr12-64720046-C-T. GRCh37 (hg19) VCF-style: chr12-65113826-C-T.
Other names: c.1556G>A (NM_002076.3); short protein forms R519H.
Identifiers: ClinVar variation 2198610 (VCV002198610.2), dbSNP rs187312042, ClinGen allele CA6669636.